The following is an entry in ClinVar:

ClinVar aggregate classification (germline): Uncertain significance (1 of 4 stars; one submission).

Conditions:
Charcot-Marie-Tooth disease type 2. Also called: Charcot-Marie-Tooth type 2. Identifiers: Orphanet 64746, MedGen C0270914, MONDO:0018993.

Submission:

Labcorp Genetics (formerly Invitae), Labcorp
Classification: Uncertain significance for Charcot-Marie-Tooth disease type 2. Last evaluated: 2022-03-08. Review status: criteria provided, single submitter. Criteria: Invitae Variant Classification Sherloc (09022015). Collection method: clinical testing. Allele origin: germline.
Comment: ClinVar contains an entry for this variant (Variation ID: 1010749). In summary, the available evidence is currently insufficient to determine the role of this variant in disease. Therefore, it has been classified as a Variant of Uncertain Significance. Algorithms developed to predict the effect of missense changes on protein structure and function output the following: SIFT: "Tolerated"; PolyPhen-2: "Benign"; Align-GVGD: "Class C0". The isoleucine amino acid residue is found in multiple mammalian species, which suggests that this missense change does not adversely affect protein function. This variant has not been reported in the literature in individuals affected with KIF1B-related conditions. This variant is not present in population databases (gnomAD no frequency). This sequence change replaces methionine, which is neutral and non-polar, with isoleucine, which is neutral and non-polar, at codon 1403 of the KIF1B protein (p.Met1403Ile).

NM_001365951.3(KIF1B):c.4347G>A (p.Met1449Ile)

Gene: KIF1B (kinesin family member 1B; plus strand). Cytogenetic location: 1p36.22.
Variant type: single nucleotide variant.
Coding change: c.4347G>A on transcript NM_001365951.3 (MANE Select); coding-DNA position 4347, G replaced by A.
Protein change: p.Met1449Ile; replaces methionine 1449 with isoleucine.
Molecular consequence: missense variant.
Genome position (GRCh38, 1-based): chr1:10,363,325, G>A. VCF-style: chr1-10363325-G-A. GRCh37 (hg19) VCF-style: chr1-10423383-G-A.
Other names: c.4347G>A, p.Met1449Ile (NM_001365952.1); c.4209G>A, p.Met1403Ile (NM_015074.3); short protein forms M1403I, M1449I.
Identifiers: ClinVar variation 1010749 (VCV001010749.8), dbSNP rs1638475945, ClinGen allele CA338318719.
Genomic context (GRCh38, chr1:10,363,325, plus strand): 5'-TTTATTTTCTTCAAATAGGAATCGAGTCACTGGCATTTACGAACTCAGCTTATGCAAAAT[G>A]TCAGACACAGGTAGTCCAGGTAAGCTCTTGTGGATTGAGGAGGTGATAGTTATCTTTGTG-3'
Protein context (NP_001352880.1, residues 1439-1459): TGIYELSLCK[Met1449Ile]SDTGSPGMQR